The following is an entry in ClinVar:

ClinVar aggregate classification (germline): Uncertain significance (1 of 4 stars; one submission).

Submission:

GeneDx
Classification: Uncertain significance. Last evaluated: 2025-10-16. Review status: criteria provided, single submitter. Criteria: GeneDx Variant Classification Process June 2021. Collection method: clinical testing. Allele origin: germline.
Comment: Has not been previously published as pathogenic or benign to our knowledge; Not observed at significant frequency in large population cohorts (gnomAD); In silico analysis supports that this missense variant has a deleterious effect on protein structure/function

NM_024514.5(CYP2R1):c.1427A>T (p.Glu476Val)

Genes: CYP2R1 (cytochrome P450 family 2 subfamily R member 1; minus strand), PDE3B (phosphodiesterase 3B; plus strand). Cytogenetic location: 11p15.2.
Variant type: single nucleotide variant.
Coding change: c.1427A>T on transcript NM_024514.5 (MANE Select); coding-DNA position 1427, A replaced by T.
Protein change: p.Glu476Val; replaces glutamic acid 476 with valine.
Molecular consequence: missense variant. On other transcripts: non-coding transcript variant (12).
Genome position (GRCh38, 1-based): chr11:14,878,201, T>A on the plus strand (A>T on the coding strand, the complement: CYP2R1 is on the minus strand). VCF-style: chr11-14878201-T-A. GRCh37 (hg19) VCF-style: chr11-14899747-T-A.
Other names: c.1082A>T, p.Glu361Val (NM_001377214.1, NM_001377215.1, NM_001377216.1 and 5 more transcripts); c.1265A>T, p.Glu422Val (NM_001377217.1); c.728A>T, p.Glu243Val (NM_001400562.1, NM_001400563.1, NM_001400564.1 and 1 more transcripts); c.449A>T, p.Glu150Val (NM_001400566.1); c.1283A>T, p.Glu428Val (NM_001400567.1); c.1382A>T, p.Glu461Val (NM_001400568.1); short protein forms E150V, E243V, E361V, E422V, E428V, E461V, E476V.
Identifiers: ClinVar variation 2580540 (VCV002580540.2), dbSNP rs2494233309, ClinGen allele CA379744410.